The following is an entry in ClinVar:

NM_021942.6(TRAPPC11):c.3015G>C (p.Pro1005=)

Gene: TRAPPC11 (trafficking protein particle complex subunit 11; plus strand). Cytogenetic location: 4q35.1.
Variant type: single nucleotide variant.
Coding change: c.3015G>C on transcript NM_021942.6 (MANE Select); coding-DNA position 3015, G replaced by C.
Protein change: p.Pro1005=; no amino-acid change (proline 1005 retained).
Molecular consequence: synonymous variant.
Genome position (GRCh38, 1-based): chr4:183,705,030, G>C. VCF-style: chr4-183705030-G-C. GRCh37 (hg19) VCF-style: chr4-184626183-G-C.
Other names: c.3015G>C, p.Pro1005= (NM_199053.3).
Identifiers: ClinVar variation 3730665 (VCV003730665.6).

ClinVar aggregate classification (germline): Likely benign. Review status: criteria provided, multiple submitters, no conflicts (2 of 4 stars). 2 submissions from 2 submitters: Likely benign (2). Last evaluated 2026-01-01.

Conditions:
Autosomal recessive limb-girdle muscular dystrophy type R18 (LGMDR18). Also called: Limb-girdle muscular dystrophy, type 2S; MUSCULAR DYSTROPHY, LIMB-GIRDLE, AUTOSOMAL RECESSIVE 18; Autosomal recessive limb-girdle muscular dystrophy type 2S. Identifiers: Orphanet 369840, MedGen C4517996, MONDO:0014144, OMIM 615356.

gnomAD v4.1: 13 of 1,598,702 alleles (0.00081%); highest among the groups gnomAD compares: Middle Eastern, 0.033%; no homozygotes.

Submissions (2):

CeGaT Center for Human Genetics Tuebingen
Classification: Likely benign. Last evaluated: 2026-01-01. Review status: criteria provided, single submitter. Criteria: CeGaT Center For Human Genetics Tuebingen Variant Classification Criteria Version 2. Collection method: clinical testing. Allele origin: germline. Affected: yes. Observed: 1 variant allele.
Comment: TRAPPC11: BP4, BP7

Labcorp Genetics (formerly Invitae), Labcorp
Classification: Likely benign for Autosomal recessive limb-girdle muscular dystrophy type R18. Last evaluated: 2024-11-27. Review status: criteria provided, single submitter. Criteria: Invitae Variant Classification Sherloc (09022015). Collection method: clinical testing. Allele origin: germline.